The following is an entry in ClinVar:

ClinVar aggregate classification (germline): Uncertain significance (1 of 4 stars; one submission).

Conditions:
Epidermolysis bullosa simplex, Ogna type (EBS5A). Also called: Pidermolysis bullosa simplex 5A, Ogna type; EPIDERMOLYSIS BULLOSA SIMPLEX 5A, OGNA TYPE. Identifiers: Orphanet 79401, MedGen C0432317, MONDO:0007555, OMIM 131950.
Epidermolysis bullosa simplex 5C, with pyloric atresia (EBS5C). Also called: PLEC-Related Epidermolysis Bullosa with Pyloric Atresia; Epidermolysis bullosa simplex with pyloric atresia; PLEC1-Related Epidermolysis Bullosa with Pyloric Atresia. Identifiers: Orphanet 158684, MedGen C2677349, MONDO:0012807, OMIM 612138.
Autosomal recessive limb-girdle muscular dystrophy type 2Q (LGMDR17). Also called: MUSCULAR DYSTROPHY, LIMB-GIRDLE, AUTOSOMAL RECESSIVE 17. Identifiers: Orphanet 254361, MedGen C3150989, MONDO:0013390, OMIM 613723.
Epidermolysis bullosa simplex 5B, with muscular dystrophy (EBS5B). Also called: Epidermolysis bullosa simplex with muscular dystrophy; EPIDERMOLYSIS BULLOSA SIMPLEX AND LIMB-GIRDLE MUSCULAR DYSTROPHY. Identifiers: Orphanet 257, MedGen C2931072, MONDO:0009181, OMIM 226670.
Epidermolysis bullosa simplex with nail dystrophy (EBS5D). Identifiers: MedGen C4225309, MONDO:0014661, OMIM 616487.

Allele frequency attached by ClinVar (database versions not stated): gnomAD exomes below 0.00001; gnomAD 0.00001.
gnomAD v4.1: 5 of 1,589,370 alleles (0.00031%); highest among the groups gnomAD compares: Non-Finnish European, 0.00043%; no homozygotes.

Submission:

Labcorp Genetics (formerly Invitae), Labcorp
Classification: Uncertain significance for Autosomal recessive limb-girdle muscular dystrophy type 2Q; Epidermolysis bullosa simplex, Ogna type; Epidermolysis bullosa simplex with nail dystrophy; Epidermolysis bullosa simplex 5C, with pyloric atresia; Epidermolysis bullosa simplex 5B, with muscular dystrophy. Last evaluated: 2022-07-25. Review status: criteria provided, single submitter. Criteria: Invitae Variant Classification Sherloc (09022015). Collection method: clinical testing. Allele origin: germline.
Comment: This sequence change replaces serine, which is neutral and polar, with phenylalanine, which is neutral and non-polar, at codon 872 of the PLEC protein (p.Ser872Phe). This variant is not present in population databases (gnomAD no frequency). This variant has not been reported in the literature in individuals affected with PLEC-related conditions. Algorithms developed to predict the effect of missense changes on protein structure and function are either unavailable or do not agree on the potential impact of this missense change (SIFT: "Deleterious"; PolyPhen-2: "Not Available"; Align-GVGD: "Class C0"). In summary, the available evidence is currently insufficient to determine the role of this variant in disease. Therefore, it has been classified as a Variant of Uncertain Significance.

NM_201384.3(PLEC):c.2534C>T (p.Ser845Phe)

Gene: PLEC (plectin; minus strand). Cytogenetic location: 8q24.3.
Variant type: single nucleotide variant.
Coding change: c.2534C>T on transcript NM_201384.3 (MANE Select); coding-DNA position 2534, C replaced by T.
Protein change: p.Ser845Phe; replaces serine 845 with phenylalanine.
Molecular consequence: missense variant.
Genome position (GRCh38, 1-based): chr8:143,930,222, G>A on the plus strand (C>T on the coding strand, the complement: PLEC is on the minus strand). VCF-style: chr8-143930222-G-A. GRCh37 (hg19) VCF-style: chr8-145004390-G-A.
Other names: c.2615C>T, p.Ser872Phe (NM_000445.5, NM_001410941.1); c.2492C>T, p.Ser831Phe (NM_201378.4); c.2468C>T, p.Ser823Phe (NM_201379.3); c.2945C>T, p.Ser982Phe (NM_201380.4); c.2438C>T, p.Ser813Phe (NM_201381.3); c.2534C>T, p.Ser845Phe (NM_201382.4); c.2546C>T, p.Ser849Phe (NM_201383.3); short protein forms S849F, S982F, S845F, S813F, S872F, S823F, S831F.
Identifiers: ClinVar variation 2036526 (VCV002036526.4), dbSNP rs879947080, ClinGen allele CA372573945.